The following is an entry in ClinVar:

ClinVar aggregate classification (germline): Uncertain significance (1 of 4 stars; one submission).

Conditions:
Inborn genetic diseases. Identifiers: MedGen C0950123, MeSH D030342.

Submission:

Ambry Genetics
Classification: Uncertain significance for Inborn genetic diseases. Last evaluated: 2023-08-04. Review status: criteria provided, single submitter. Criteria: Ambry Variant Classification Scheme 2023. Collection method: clinical testing. Allele origin: germline.
Comment: The p.T34S variant (also known as c.100A>T), located in coding exon 1 of the LRRK2 gene, results from an A to T substitution at nucleotide position 100. The threonine at codon 34 is replaced by serine, an amino acid with similar properties. This amino acid position is conserved. In addition, this alteration is predicted to be tolerated by in silico analysis. Since supporting evidence is limited at this time, the clinical significance of this alteration remains unclear.

NM_198578.4(LRRK2):c.100A>T (p.Thr34Ser)

Gene: LRRK2 (leucine rich repeat kinase 2; plus strand). Cytogenetic location: 12q12.
Variant type: single nucleotide variant.
Coding change: c.100A>T on transcript NM_198578.4 (MANE Select); coding-DNA position 100, A replaced by T.
Protein change: p.Thr34Ser; replaces threonine 34 with serine.
Molecular consequence: missense variant.
Genome position (GRCh38, 1-based): chr12:40,225,231, A>T. VCF-style: chr12-40225231-A-T. GRCh37 (hg19) VCF-style: chr12-40619033-A-T.
Other names: short protein forms T34S.
Identifiers: ClinVar variation 2624887 (VCV002624887.2), dbSNP rs2499330628, ClinGen allele CA384398564.
Genomic context (GRCh38, chr12:40,225,231, plus strand): 5'-GAAACTCTGAAGAAGTTGATAGTCAGGCTGAACAATGTCCAGGAAGGAAAACAGATAGAA[A>T]CGCTGGTCCAAATCCTGGAGGATCTGCTGGTGTTCACGTACTCCGAGCGCGGTAATCACT-3'
Protein context (NP_940980.4, residues 24-44): NNVQEGKQIE[Thr34Ser]LVQILEDLLV